The following is an entry in ClinVar:

ClinVar aggregate classification (germline): Uncertain significance. Review status: criteria provided, multiple submitters, no conflicts (2 of 4 stars). 2 submissions from 2 submitters: Uncertain significance (2). Last evaluated 2023-08-15.

Conditions:
Von Hippel-Lindau syndrome (VHLS). Also called: Von Hippel-Lindau; von Hippel–Lindau syndrome; VHL syndrome. Identifiers: Orphanet 892, MedGen C0019562, MONDO:0008667, OMIM 193300. Disease mechanism: loss of function.
Chuvash polycythemia. Also called: POLYCYTHEMIA, VHL-DEPENDENT. Identifiers: Orphanet 238557, MedGen C1837915, MONDO:0009892, OMIM 263400.

Submissions (2):

All of Us Research Program, National Institutes of Health
Classification: Uncertain significance for Von Hippel-Lindau syndrome. Last evaluated: 2023-08-15. Review status: criteria provided, single submitter. Criteria: ACMG Guidelines, 2015. Collection method: clinical testing. Allele origin: germline. Inheritance: Autosomal dominant inheritance. Observed: 1 variant allele, 1 heterozygote.
Comment: This missense variant replaces arginine with proline at codon 60 of the VHL protein. Computational prediction suggests that this variant may not impact protein structure and function (internally defined REVEL score threshold <= 0.5, PMID: 27666373). To our knowledge, functional studies have not been reported for this variant. This variant has not been reported in individuals affected with VHL-related disorders in the literature. This variant has not been identified in the general population by the Genome Aggregation Database (gnomAD). The available evidence is insufficient to determine the role of this variant in disease conclusively. Therefore, this variant is classified as a Variant of Uncertain Significance.

This study involves interpretation of variants in research participants for the purpose of population health screening. Participant phenotype was not available at the time of variant classification. Additional details can be found in publication PMID: 35346344, PMCID: PMC8962531

Labcorp Genetics (formerly Invitae), Labcorp
Classification: Uncertain significance for Von Hippel-Lindau syndrome; Chuvash polycythemia. Last evaluated: 2019-11-07. Review status: criteria provided, single submitter. Criteria: Invitae Variant Classification Sherloc (09022015). Collection method: clinical testing. Allele origin: germline.
Comment: This sequence change replaces arginine with proline at codon 60 of the VHL protein (p.Arg60Pro). The arginine residue is moderately conserved and there is a moderate physicochemical difference between arginine and proline. This variant is not present in population databases (ExAC no frequency). This variant has not been reported in the literature in individuals with VHL-related conditions. Algorithms developed to predict the effect of missense changes on protein structure and function (SIFT, PolyPhen-2, Align-GVGD) all suggest that this variant is likely to be tolerated, but these predictions have not been confirmed by published functional studies and their clinical significance is uncertain. In summary, the available evidence is currently insufficient to determine the role of this variant in disease. Therefore, it has been classified as a Variant of Uncertain Significance.

NM_000551.4(VHL):c.179G>C (p.Arg60Pro)

Gene: VHL (von Hippel-Lindau tumor suppressor; plus strand). Cytogenetic location: 3p25.3.
Variant type: single nucleotide variant.
Coding change: c.179G>C on transcript NM_000551.4 (MANE Select); coding-DNA position 179, G replaced by C.
Protein change: p.Arg60Pro; replaces arginine 60 with proline.
Molecular consequence: missense variant.
Genome position (GRCh38, 1-based): chr3:10,142,026, G>C. VCF-style: chr3-10142026-G-C. GRCh37 (hg19) VCF-style: chr3-10183710-G-C.
Other names: c.179G>C, p.Arg60Pro (NM_001354723.2, NM_198156.3); short protein forms R60P.
Identifiers: ClinVar variation 961714 (VCV000961714.11), dbSNP rs1696126647, ClinGen allele CA351748672.